The following is an entry in ClinVar:

NM_001298.3(CNGA3):c.1957G>A (p.Ala653Thr)

Gene: CNGA3 (cyclic nucleotide gated channel subunit alpha 3; plus strand). Cytogenetic location: 2q11.2.
Variant type: single nucleotide variant.
Coding change: c.1957G>A on transcript NM_001298.3 (MANE Select); coding-DNA position 1957, G replaced by A.
Protein change: p.Ala653Thr; replaces alanine 653 with threonine.
Molecular consequence: missense variant.
Genome position (GRCh38, 1-based): chr2:98,397,127, G>A. VCF-style: chr2-98397127-G-A. GRCh37 (hg19) VCF-style: chr2-99013590-G-A.
Other names: c.1903G>A, p.Ala635Thr (NM_001079878.2); c.1957G>A (NM_001298.2); short protein forms A635T, A653T.
Identifiers: ClinVar variation 1499012 (VCV001499012.6), dbSNP rs982245764, ClinGen allele CA52636115.
Genomic context (GRCh38, chr2:98,397,127, plus strand): 5'-CTGGGGTCCTCCCTGGACACCCTGCAGACCAGGTTTGCACGCCTCCTGGCTGAGTACAAC[G>A]CCACCCAGATGAAGATGAAGCAGCGTCTCAGCCAACTGGAAAGCCAGGTGAAGGGTGGTG-3'
Protein context (NP_001289.1, residues 643-663): RFARLLAEYN[Ala653Thr]TQMKMKQRLS

ClinVar aggregate classification (germline): Uncertain significance. Review status: criteria provided, multiple submitters, no conflicts (2 of 4 stars). 2 submissions from 2 submitters: Uncertain significance (2). Last evaluated 2024-11-07.

Conditions:
Inborn genetic diseases. Identifiers: MedGen C0950123, MeSH D030342.

Allele frequency attached by ClinVar (database versions not stated): gnomAD exomes 0.00001; gnomAD 0.00003; TOPMed 0.00003.
gnomAD v4.1: 13 of 1,613,982 alleles (0.00081%); highest among the groups gnomAD compares: African/African-American, 0.008%; no homozygotes.

Submissions (2):

Labcorp Genetics (formerly Invitae), Labcorp
Classification: Uncertain significance. Last evaluated: 2024-11-07. Review status: criteria provided, single submitter. Criteria: Invitae Variant Classification Sherloc (09022015). Collection method: clinical testing. Allele origin: germline.
Comment: This sequence change replaces alanine, which is neutral and non-polar, with threonine, which is neutral and polar, at codon 653 of the CNGA3 protein (p.Ala653Thr). This variant is present in population databases (no rsID available, gnomAD 0.02%). This variant has not been reported in the literature in individuals affected with CNGA3-related conditions. ClinVar contains an entry for this variant (Variation ID: 1499012). Invitae Evidence Modeling of protein sequence and biophysical properties (such as structural, functional, and spatial information, amino acid conservation, physicochemical variation, residue mobility, and thermodynamic stability) indicates that this missense variant is not expected to disrupt CNGA3 protein function with a negative predictive value of 95%. In summary, the available evidence is currently insufficient to determine the role of this variant in disease. Therefore, it has been classified as a Variant of Uncertain Significance.

Ambry Genetics
Classification: Uncertain significance for Inborn genetic diseases. Last evaluated: 2022-11-07. Review status: criteria provided, single submitter. Criteria: Ambry Variant Classification Scheme 2023. Collection method: clinical testing. Allele origin: germline.